The following is an entry in ClinVar:

ClinVar aggregate classification (germline): Uncertain significance. Review status: criteria provided, multiple submitters, no conflicts (2 of 4 stars). 2 submissions from 2 submitters: Uncertain significance (2). Last evaluated 2022-10-04.

Conditions:
Inborn genetic diseases. Identifiers: MedGen C0950123, MeSH D030342.
Syndromic multisystem autoimmune disease due to ITCH deficiency. Also called: AUTOIMMUNE DISEASE, MULTISYSTEM, WITH FACIAL DYSMORPHISM. Identifiers: Orphanet 228426, MedGen C3150649, MONDO:0013245, OMIM 613385.

Allele frequency attached by ClinVar (database versions not stated): ExAC 0.00001; gnomAD exomes 0.00001 and 0.00003; gnomAD 0.00005; TOPMed 0.00005; 1000 Genomes Project 30x 0.00016; 1000 Genomes Project 0.00020.
gnomAD v4.1: 39 of 1,614,098 alleles (0.0024%); highest among the groups gnomAD compares: East Asian, 0.033%; no homozygotes.

Submissions (2):

Labcorp Genetics (formerly Invitae), Labcorp
Classification: Uncertain significance for Syndromic multisystem autoimmune disease due to ITCH deficiency. Last evaluated: 2022-10-04. Review status: criteria provided, single submitter. Criteria: Invitae Variant Classification Sherloc (09022015). Collection method: clinical testing. Allele origin: germline.
Comment: This sequence change replaces proline, which is neutral and non-polar, with arginine, which is basic and polar, at codon 281 of the ITCH protein (p.Pro281Arg). This variant is present in population databases (rs200085579, gnomAD 0.05%). This variant has not been reported in the literature in individuals affected with ITCH-related conditions. ClinVar contains an entry for this variant (Variation ID: 1026528). Algorithms developed to predict the effect of missense changes on protein structure and function are either unavailable or do not agree on the potential impact of this missense change (SIFT: "Not Available"; PolyPhen-2: "Benign"; Align-GVGD: "Not Available"). In summary, the available evidence is currently insufficient to determine the role of this variant in disease. Therefore, it has been classified as a Variant of Uncertain Significance.

Ambry Genetics
Classification: Uncertain significance for Inborn genetic diseases. Last evaluated: 2021-07-20. Review status: criteria provided, single submitter. Criteria: Ambry Variant Classification Scheme 2023. Collection method: clinical testing. Allele origin: germline.

NM_031483.7(ITCH):c.842C>G (p.Pro281Arg)

Gene: ITCH (itchy E3 ubiquitin protein ligase; plus strand). Cytogenetic location: 20q11.22.
Variant type: single nucleotide variant.
Coding change: c.842C>G on transcript NM_031483.7 (MANE Select); coding-DNA position 842, C replaced by G.
Protein change: p.Pro281Arg; replaces proline 281 with arginine.
Molecular consequence: missense variant.
Genome position (GRCh38, 1-based): chr20:34,440,317, C>G. VCF-style: chr20-34440317-C-G. GRCh37 (hg19) VCF-style: chr20-33028122-C-G.
Other names: c.965C>G, p.Pro322Arg (NM_001257137.3, NM_001324197.2); c.512C>G, p.Pro171Arg (NM_001257138.3); c.842C>G, p.Pro281Arg (NM_001324198.2); c.842C>G (NM_031483.4); short protein forms P171R, P281R, P322R.
Identifiers: ClinVar variation 1026528 (VCV001026528.5), dbSNP rs200085579, ClinGen allele CA9821444.